The following is an entry in ClinVar:

ClinVar aggregate classification (germline): Uncertain significance (1 of 4 stars; one submission).

Submission:

CeGaT Center for Human Genetics Tuebingen
Classification: Uncertain significance. Last evaluated: 2025-02-01. Review status: criteria provided, single submitter. Criteria: CeGaT Center For Human Genetics Tuebingen Variant Classification Criteria Version 2. Collection method: clinical testing. Allele origin: germline. Affected: yes. Observed: 2 variant alleles.
Comment: HYDIN: PP3

NM_001270974.2(HYDIN):c.11979G>T (p.Gly3993=)

Gene: HYDIN (HYDIN axonemal central pair apparatus protein; minus strand). Cytogenetic location: 16q22.2.
Variant type: single nucleotide variant.
Coding change: c.11979G>T on transcript NM_001270974.2 (MANE Select); coding-DNA position 11979, G replaced by T.
Protein change: p.Gly3993=; no amino-acid change (glycine 3993 retained).
Molecular consequence: synonymous variant.
Genome position (GRCh38, 1-based): chr16:70,860,700, C>A on the plus strand (G>T on the coding strand, the complement: HYDIN is on the minus strand). VCF-style: chr16-70860700-C-A. GRCh37 (hg19) VCF-style: chr16-70894603-C-A.
Identifiers: ClinVar variation 3257650 (VCV003257650.17).